The following is an entry in ClinVar:

NM_022124.6(CDH23):c.3371T>G (p.Leu1124Arg)

Genes: C10orf105 (chromosome 10 open reading frame 105; minus strand), CDH23 (cadherin related 23; plus strand). Cytogenetic location: 10q22.1.
Variant type: single nucleotide variant.
Coding change: c.3371T>G on transcript NM_022124.6 (MANE Select); coding-DNA position 3371, T replaced by G.
Protein change: p.Leu1124Arg; replaces leucine 1124 with arginine.
Molecular consequence: missense variant. On other transcripts: intron variant (1).
Genome position (GRCh38, 1-based): chr10:71,724,046, T>G. VCF-style: chr10-71724046-T-G. GRCh37 (hg19) VCF-style: chr10-73483803-T-G.
Other names: c.3371T>G, p.Leu1124Arg (NM_001171930.2); c.-5-7704A>C (NM_001168390.2); short protein forms L1124R.
Identifiers: ClinVar variation 1185615 (VCV001185615.4), dbSNP rs2132800007, ClinGen allele CA377150923.

ClinVar aggregate classification (germline): Likely pathogenic. Review status: criteria provided, single submitter (1 of 4 stars). 2 submissions from 2 submitters: Likely pathogenic (1). 1 of the submissions does not count toward it. Last evaluated 2025-01-09.

Conditions:
Autosomal recessive nonsyndromic hearing loss 12. Also called: DEAFNESS, AUTOSOMAL RECESSIVE 12. Identifiers: Orphanet 90636, MedGen C1832394, MONDO:0011067, OMIM 601386.

Submissions (2):

Institute of Rare Diseases, West China Hospital, Sichuan University
Classification: Likely pathogenic for Autosomal recessive nonsyndromic hearing loss 12. Last evaluated: 2025-01-09. Review status: criteria provided, single submitter. Criteria: ClinGen HL ACMG Specifications v1. Collection method: research. Allele origin: germline. Affected: yes.
Comment: PM3_Strong;PM2_Supporting;PP3

Deafness Molecular Diagnostic Center, Chinese PLA General Hospital
Classification: Uncertain significance for Autosomal recessive nonsyndromic hearing loss 12. Review status: no assertion criteria provided. Criteria: ACMG Guidelines, 2015. Collection method: case-control. Allele origin: paternal. Affected: yes. Not counted in ClinVar's aggregate classification.